The following is an entry in ClinVar:

ClinVar aggregate classification (germline): Uncertain significance (1 of 4 stars; one submission).

Conditions:
Inborn genetic diseases. Identifiers: MedGen C0950123, MeSH D030342.

Allele frequency attached by ClinVar (database versions not stated): ExAC 0.00001; gnomAD exomes below 0.00001.
gnomAD v4.1: 1 of 1,613,964 alleles (0.000062%); highest among the groups gnomAD compares: Admixed American, 0.0017%; no homozygotes.

Submission:

Ambry Genetics
Classification: Uncertain significance for Inborn genetic diseases. Last evaluated: 2026-04-28. Review status: criteria provided, single submitter. Criteria: Ambry Variant Classification Scheme 2023. Collection method: clinical testing. Allele origin: germline.
Comment: The c.1361A>C (p.H454P) alteration is located in exon 13 (coding exon 12) of the TRAPPC11 gene. This alteration results from a A to C substitution at nucleotide position 1361, causing the histidine (H) at amino acid position 454 to be replaced by a proline (P). Based on data from gnomAD, the C allele has an overall frequency of <0.001% (1/251308) total alleles studied. The highest observed frequency was 0.003% (1/34586) of Admixed American alleles. This amino acid position is highly conserved in available vertebrate species. This alteration is predicted to be deleterious by in silico analysis. Based on insufficient or conflicting evidence, the clinical significance of this alteration remains unclear.

NM_021942.6(TRAPPC11):c.1361A>C (p.His454Pro)

Gene: TRAPPC11 (trafficking protein particle complex subunit 11; plus strand). Cytogenetic location: 4q35.1.
Variant type: single nucleotide variant.
Coding change: c.1361A>C on transcript NM_021942.6 (MANE Select); coding-DNA position 1361, A replaced by C.
Protein change: p.His454Pro; replaces histidine 454 with proline.
Molecular consequence: missense variant.
Genome position (GRCh38, 1-based): chr4:183,684,218, A>C. VCF-style: chr4-183684218-A-C. GRCh37 (hg19) VCF-style: chr4-184605371-A-C.
Other names: c.1361A>C, p.His454Pro (NM_199053.3); short protein forms H454P.
Identifiers: ClinVar variation 2229933 (VCV002229933.3), dbSNP rs748797085, ClinGen allele CA3151889.